The following is an entry in ClinVar:

ClinVar aggregate classification (germline): Benign. Review status: criteria provided, single submitter (1 of 4 stars). 2 submissions from 2 submitters: Benign (1). 1 of the submissions does not count toward it. Last evaluated 2026-05-01.

Conditions:
RERE-related disorder. Also called: RERE-related condition; RERE-Related Disorders. Identifiers: MedGen CN381537.

Allele frequency attached by ClinVar (database versions not stated): 1000 Genomes Project 0.00260; 1000 Genomes Project 30x 0.00328; ESP Exome Variant Server 0.00362; TOPMed 0.00412; ExAC 0.00531.
gnomAD v4.1: 1,045 of 1,439,924 alleles (0.073%); highest among the groups gnomAD compares: African/African-American, 1.3%; 11 homozygotes.

Submissions (2):

CeGaT Center for Human Genetics Tuebingen
Classification: Benign. Last evaluated: 2026-05-01. Review status: criteria provided, single submitter. Criteria: CeGaT Center For Human Genetics Tuebingen Variant Classification Criteria Version 2. Collection method: clinical testing. Allele origin: germline. Affected: yes. Observed: 2 variant alleles.
Comment: RERE: BP4, BP7, BS1, BS2

PreventionGenetics, part of Exact Sciences
Classification: Benign for RERE-related condition. Last evaluated: 2021-03-09. Review status: no assertion criteria provided. Collection method: clinical testing. Allele origin: germline. Not counted in ClinVar's aggregate classification.
Comment: This variant is classified as benign based on ACMG/AMP sequence variant interpretation guidelines (Richards et al. 2015 PMID: 25741868, with internal and published modifications).

NM_001042681.2(RERE):c.2424C>A (p.Pro808=)

Gene: RERE (arginine-glutamic acid dipeptide repeats; minus strand). Cytogenetic location: 1p36.23.
Variant type: single nucleotide variant.
Coding change: c.2424C>A on transcript NM_001042681.2 (MANE Select); coding-DNA position 2424, C replaced by A.
Protein change: p.Pro808=; no amino-acid change (proline 808 retained).
Molecular consequence: synonymous variant.
Genome position (GRCh38, 1-based): chr1:8,361,083, G>T on the plus strand (C>A on the coding strand, the complement: RERE is on the minus strand). VCF-style: chr1-8361083-G-T. GRCh37 (hg19) VCF-style: chr1-8421143-G-T.
Other names: c.762C>A, p.Pro254= (NM_001042682.2); c.2424C>A, p.Pro808= (NM_012102.4); c.2424C>A (NM_012102.3).
Identifiers: ClinVar variation 3025311 (VCV003025311.23), dbSNP rs199944381, ClinGen allele CA571365.